The following is an entry in ClinVar:

ClinVar aggregate classification (germline): Uncertain significance (1 of 4 stars; one submission).

Conditions:
Developmental and epileptic encephalopathy, 8 (DEE8). Also called: HYPEREKPLEXIA AND EPILEPSY. Identifiers: Orphanet 163985, Orphanet 2076, MedGen C1845102, MONDO:0010375, OMIM 300607.

Allele frequency attached by ClinVar (database versions not stated): gnomAD exomes below 0.00001; gnomAD 0.00002.
gnomAD v4.1: 6 of 1,207,936 alleles (0.0005%); highest among the groups gnomAD compares: East Asian, 0.003%; no homozygotes.

Submission:

Labcorp Genetics (formerly Invitae), Labcorp
Classification: Uncertain significance for Developmental and epileptic encephalopathy, 8. Last evaluated: 2024-01-08. Review status: criteria provided, single submitter. Criteria: Invitae Variant Classification Sherloc (09022015). Collection method: clinical testing. Allele origin: germline.
Comment: This sequence change replaces arginine, which is basic and polar, with histidine, which is basic and polar, at codon 499 of the ARHGEF9 protein (p.Arg499His). The frequency data for this variant in the population databases is considered unreliable, as metrics indicate poor data quality at this position in the gnomAD database. This missense change has been observed in individual(s) with developmental disorder (PMID: 33504798). Advanced modeling of protein sequence and biophysical properties (such as structural, functional, and spatial information, amino acid conservation, physicochemical variation, residue mobility, and thermodynamic stability) has been performed at Invitae for this missense variant, however the output from this modeling did not meet the statistical confidence thresholds required to predict the impact of this variant on ARHGEF9 protein function. In summary, the available evidence is currently insufficient to determine the role of this variant in disease. Therefore, it has been classified as a Variant of Uncertain Significance.

Literature cited by the submitters: PubMed 33504798.

NM_001353921.2(ARHGEF9):c.1517G>A (p.Arg506His)

Gene: ARHGEF9 (Cdc42 guanine nucleotide exchange factor 9; minus strand). Cytogenetic location: Xq11.1.
Variant type: single nucleotide variant.
Coding change: c.1517G>A on transcript NM_001353921.2 (MANE Select); coding-DNA position 1517, G replaced by A.
Protein change: p.Arg506His; replaces arginine 506 with histidine.
Molecular consequence: missense variant. On other transcripts: 3 prime UTR variant (2).
Genome position (GRCh38, 1-based): chrX:63,638,083, C>T on the plus strand (G>A on the coding strand, the complement: ARHGEF9 is on the minus strand). VCF-style: chrX-63638083-C-T. GRCh37 (hg19) VCF-style: chrX-62857963-C-T.
Other names: c.1337G>A, p.Arg446His (NM_001173479.2); c.1190G>A, p.Arg397His (NM_001173480.2, NM_001369042.1); c.1433G>A, p.Arg478His (NM_001330495.2, NM_001369033.1, NM_001369034.1 and 4 more transcripts); c.1385G>A, p.Arg462His (NM_001353922.2); c.1535G>A, p.Arg512His (NM_001353923.1); c.1316G>A, p.Arg439His (NM_001353924.2, NM_001353926.2, NM_001369039.1 and 1 more transcripts); c.1301G>A, p.Arg434His (NM_001353927.2, NM_001369041.1); c.1364G>A, p.Arg455His (NM_001353928.2); and 3 more; short protein forms R446H, R478H, R439H, R455H, R462H, R499H, R317H, R506H.
Identifiers: ClinVar variation 2898057 (VCV002898057.3), dbSNP rs781858542, ClinGen allele CA10431791.
Genomic context (GRCh38, chrX:63,638,083, plus strand): 5'-AGGTATCATTTTTTGAAGGGGGTTAACCTGCTGAAGTTTTGCCAGAATGGTGACTGGCTG[C>T]GCTTGGGTTCGGTGAACTCAAAGACCTGCGACTGAGCGATGCCGTCGGGGACCAGGTACT-3'
Protein context (NP_001340850.1, residues 496-516): SQVFEFTEPK[Arg506His]SQSPFWQNFS